The following is an entry in ClinVar:

ClinVar aggregate classification (germline): Uncertain significance. Review status: criteria provided, multiple submitters, no conflicts (2 of 4 stars). 2 submissions from 2 submitters: Uncertain significance (2). Last evaluated 2026-04-30.

Conditions:
Epidermolysis bullosa simplex, Ogna type (EBS5A). Also called: EPIDERMOLYSIS BULLOSA SIMPLEX 5A, OGNA TYPE; Pidermolysis bullosa simplex 5A, Ogna type. Identifiers: Orphanet 79401, MedGen C0432317, MONDO:0007555, OMIM 131950.
Epidermolysis bullosa simplex 5B, with muscular dystrophy (EBS5B). Also called: Epidermolysis bullosa simplex with muscular dystrophy; EPIDERMOLYSIS BULLOSA SIMPLEX AND LIMB-GIRDLE MUSCULAR DYSTROPHY. Identifiers: Orphanet 257, MedGen C2931072, MONDO:0009181, OMIM 226670.
Epidermolysis bullosa simplex with nail dystrophy (EBS5D). Identifiers: MedGen C4225309, MONDO:0014661, OMIM 616487.
Epidermolysis bullosa simplex 5C, with pyloric atresia (EBS5C). Also called: Epidermolysis bullosa simplex with pyloric atresia; PLEC-Related Epidermolysis Bullosa with Pyloric Atresia; PLEC1-Related Epidermolysis Bullosa with Pyloric Atresia. Identifiers: Orphanet 158684, MedGen C2677349, MONDO:0012807, OMIM 612138.
Autosomal recessive limb-girdle muscular dystrophy type 2Q (LGMDR17). Also called: MUSCULAR DYSTROPHY, LIMB-GIRDLE, AUTOSOMAL RECESSIVE 17. Identifiers: Orphanet 254361, MedGen C3150989, MONDO:0013390, OMIM 613723.
PLEC-related disorder. Also called: PLEC-related condition; PLEC-related disorders.

gnomAD v4.1: 10 of 1,609,578 alleles (0.00062%); highest among the groups gnomAD compares: South Asian, 0.0011%; no homozygotes.

Submissions (2):

PreventionGenetics, part of Exact Sciences
Classification: Uncertain significance for PLEC-related condition. Last evaluated: 2026-04-30. Review status: criteria provided, single submitter. Criteria: ACMG Guidelines, 2015. Collection method: clinical testing. Allele origin: germline.
Comment: The PLEC c.6700G>A variant is predicted to result in the amino acid substitution p.Glu2234Lys. To our knowledge, this variant has not been reported in the literature. This variant is reported in 0.0019% of alleles in individuals of European (Non-Finnish) descent in gnomAD. At this time, the clinical significance of this variant is uncertain due to the absence of conclusive functional and genetic evidence.

Labcorp Genetics (formerly Invitae), Labcorp
Classification: Uncertain significance for Autosomal recessive limb-girdle muscular dystrophy type 2Q; Epidermolysis bullosa simplex, Ogna type; Epidermolysis bullosa simplex with nail dystrophy; Epidermolysis bullosa simplex 5C, with pyloric atresia; Epidermolysis bullosa simplex 5B, with muscular dystrophy. Last evaluated: 2025-04-07. Review status: criteria provided, single submitter. Criteria: Invitae Variant Classification Sherloc (09022015). Collection method: clinical testing. Allele origin: germline.
Comment: This sequence change replaces glutamic acid, which is acidic and polar, with lysine, which is basic and polar, at codon 2234 of the PLEC protein (p.Glu2234Lys). The frequency data for this variant in the population databases is considered unreliable, as metrics indicate poor data quality at this position in the gnomAD database. This variant has not been reported in the literature in individuals affected with PLEC-related conditions. An algorithm developed to predict the effect of missense changes on protein structure and function (PolyPhen-2) suggests that this variant is likely to be disruptive. In summary, the available evidence is currently insufficient to determine the role of this variant in disease. Therefore, it has been classified as a Variant of Uncertain Significance.

NM_201384.3(PLEC):c.6619G>A (p.Glu2207Lys)

Gene: PLEC (plectin; minus strand). Cytogenetic location: 8q24.3.
Variant type: single nucleotide variant.
Coding change: c.6619G>A on transcript NM_201384.3 (MANE Select); coding-DNA position 6619, G replaced by A.
Protein change: p.Glu2207Lys; replaces glutamic acid 2207 with lysine.
Molecular consequence: missense variant. On other transcripts: intron variant (1).
Genome position (GRCh38, 1-based): chr8:143,923,310, C>T on the plus strand (G>A on the coding strand, the complement: PLEC is on the minus strand). VCF-style: chr8-143923310-C-T. GRCh37 (hg19) VCF-style: chr8-144997478-C-T.
Other names: c.6700G>A, p.Glu2234Lys (NM_000445.5); c.6577G>A, p.Glu2193Lys (NM_201378.4); c.6553G>A, p.Glu2185Lys (NM_201379.3); c.7030G>A, p.Glu2344Lys (NM_201380.4); c.6523G>A, p.Glu2175Lys (NM_201381.3); c.6619G>A, p.Glu2207Lys (NM_201382.4); c.6631G>A, p.Glu2211Lys (NM_201383.3); c.4126-915G>A (NM_001410941.1); and 1 more; short protein forms E2211K, E2344K, E2175K, E2207K, E2234K, E2185K, E2193K.
Identifiers: ClinVar variation 4791008 (VCV004791008.2).
Genomic context (GRCh38, chr8:143,923,310, plus strand): 5'-CCACCTGGCTGCGCTGGCGTGCGGCCTCCGTGGCCTCCGCCTTCAGCCGCTGCAGCTCCT[C>T]GTCCAGCAGGTTCTTCTGGTGGTCGGTCTCCTCCAGCTGCAGCCGCAGTGTTGTCAGCTC-3'
Protein context (NP_958786.1, residues 2197-2217): ETDHQKNLLD[Glu2207Lys]ELQRLKAEAT